The following is an entry in ClinVar:

ClinVar aggregate classification (germline): Uncertain significance (1 of 4 stars; one submission).

Conditions:
Hereditary cancer-predisposing syndrome. Also called: Hereditary neoplastic syndrome; Neoplastic Syndromes, Hereditary; Tumor predisposition; Hereditary Cancer Syndrome. Identifiers: Orphanet 140162, MedGen C0027672, MeSH D009386, MONDO:0015356.

Submission:

Ambry Genetics
Classification: Uncertain significance for Hereditary cancer-predisposing syndrome. Last evaluated: 2025-08-22. Review status: criteria provided, single submitter. Criteria: Ambry Variant Classification Scheme 2023. Collection method: clinical testing. Allele origin: germline.
Comment: The c.4297_4307del11 variant, located in coding exon 34 of the POLE gene, results from a deletion of 11 nucleotides at nucleotide positions 4297 to 4307, causing a translational frameshift with a predicted alternate stop codon (p.L1433Gfs*13). This alteration is expected to result in loss of function by premature protein truncation or nonsense-mediated mRNA decay. Although biallelic loss of function of POLE has been associated with autosomal recessive POLE deficiency, haploinsufficiency of POLE has not been established as a mechanism of disease for POLE-related polymerase proofreading-associated polyposis (PPAP) and POLE-related CMMRD-like syndrome. Based on the supporting evidence, this variant is expected to be causative of POLE deficiency when present along with a second pathogenic variant on the other allele; however, its clinical significance for PPAP and POLE-related CMMRD-like syndrome is unclear.

NM_006231.4(POLE):c.4297_4307del (p.Leu1433fs)

Gene: POLE (DNA polymerase epsilon, catalytic subunit; minus strand). Cytogenetic location: 12q24.33.
Variant type: Deletion.
Coding change: c.4297_4307del on transcript NM_006231.4 (MANE Select); coding-DNA positions 4297 to 4307, 11 bases deleted (TTACTGTTCCG).
Protein change: p.Leu1433fs; shifts the reading frame from leucine 1433.
Molecular consequence: frameshift variant.
Genome position (GRCh38, 1-based): chr12:132,643,544-132,643,554, CGGAACAGTAA deleted on the plus strand (TTACTGTTCCG on the coding strand, the reverse complement: POLE is on the minus strand); deleting any 11 consecutive bases within chr12:132,643,544-132,643,560 gives the same sequence; the c. name uses the placement nearest the transcript's 3' end. VCF-style (leftmost placement, unchanged base first): chr12-132643543-CCGGAACAGTAA-C. GRCh37 (hg19) VCF-style: chr12-133220129-CCGGAACAGTAA-C.
Other names: short protein forms L1433fs.
Identifiers: ClinVar variation 4141103 (VCV004141103.1).